The following is an entry in ClinVar:

NM_000246.4(CIITA):c.2608C>T (p.Pro870Ser)

Gene: CIITA (class II major histocompatibility complex transactivator; plus strand). Cytogenetic location: 16p13.13.
Variant type: single nucleotide variant.
Coding change: c.2608C>T on transcript NM_000246.4 (MANE Select); coding-DNA position 2608, C replaced by T.
Protein change: p.Pro870Ser; replaces proline 870 with serine.
Molecular consequence: missense variant. On other transcripts: intron variant (1).
Genome position (GRCh38, 1-based): chr16:10,908,100, C>T. VCF-style: chr16-10908100-C-T. GRCh37 (hg19) VCF-style: chr16-11001957-C-T.
Other names: c.2611C>T, p.Pro871Ser (NM_001286402.1, NM_001379332.1); c.2464C>T, p.Pro822Ser (NM_001379330.1); c.2461C>T, p.Pro821Ser (NM_001379331.1); c.2608C>T, p.Pro870Ser (NM_001379333.1); c.2539C>T, p.Pro847Ser (NM_001379334.1); c.860-883C>T (NM_001286403.2); short protein forms P821S, P822S, P847S, P870S, P871S.
Identifiers: ClinVar variation 1712565 (VCV001712565.2), dbSNP rs755765769, ClinGen allele CA7900416.

ClinVar aggregate classification (germline): Uncertain significance (1 of 4 stars; one submission).

Allele frequency attached by ClinVar (database versions not stated): gnomAD 0.00001; gnomAD exomes 0.00001; TOPMed 0.00002; ExAC 0.00005.

Submission:

GeneDx
Classification: Uncertain significance. Last evaluated: 2022-04-29. Review status: criteria provided, single submitter. Criteria: GeneDx Variant Classification Process June 2021. Collection method: clinical testing. Allele origin: germline. Affected: yes.
Comment: In silico analysis supports that this missense variant has a deleterious effect on protein structure/function; Has not been previously published as pathogenic or benign to our knowledge